The following is an entry in ClinVar:

ClinVar aggregate classification (germline): Uncertain significance (1 of 4 stars; one submission).

Allele frequency attached by ClinVar (database versions not stated): gnomAD exomes below 0.00001; TOPMed below 0.00001.
gnomAD v4.1: 1 of 1,551,682 alleles (0.000064%); highest among the groups gnomAD compares: South Asian, 0.0012%; no homozygotes.

Submission:

Labcorp Genetics (formerly Invitae), Labcorp
Classification: Uncertain significance. Last evaluated: 2021-11-18. Review status: criteria provided, single submitter. Criteria: Invitae Variant Classification Sherloc (09022015). Collection method: clinical testing. Allele origin: germline.
Comment: This sequence change replaces threonine, which is neutral and polar, with alanine, which is neutral and non-polar, at codon 3130 of the UNC80 protein (p.Thr3130Ala). This variant is not present in population databases (gnomAD no frequency). This variant has not been reported in the literature in individuals affected with UNC80-related conditions. Algorithms developed to predict the effect of missense changes on protein structure and function output the following: SIFT: "Not Available"; PolyPhen-2: "Benign"; Align-GVGD: "Not Available". The alanine amino acid residue is found in multiple mammalian species, which suggests that this missense change does not adversely affect protein function. Algorithms developed to predict the effect of sequence changes on RNA splicing suggest that this variant may create or strengthen a splice site. In summary, the available evidence is currently insufficient to determine the role of this variant in disease. Therefore, it has been classified as a Variant of Uncertain Significance.

NM_001371986.1(UNC80):c.9586A>G (p.Thr3196Ala)

Gene: UNC80 (unc-80 homolog, NALCN channel complex subunit; plus strand). Cytogenetic location: 2q34.
Variant type: single nucleotide variant.
Coding change: c.9586A>G on transcript NM_001371986.1 (MANE Select); coding-DNA position 9586, A replaced by G.
Protein change: p.Thr3196Ala; replaces threonine 3196 with alanine.
Molecular consequence: missense variant.
Genome position (GRCh38, 1-based): chr2:209,994,142, A>G. VCF-style: chr2-209994142-A-G. GRCh37 (hg19) VCF-style: chr2-210858866-A-G.
Other names: c.9388A>G, p.Thr3130Ala (NM_032504.2); c.9316A>G, p.Thr3106Ala (NM_182587.4); short protein forms T3106A, T3130A, T3196A.
Identifiers: ClinVar variation 1501004 (VCV001501004.3), dbSNP rs1313550263, ClinGen allele CA350415841.